The following is an entry in ClinVar:

ClinVar aggregate classification (germline): Likely pathogenic (1 of 4 stars; one submission).

Conditions:
Nephrotic syndrome, IIa 26. Also called: Nephrotic syndrome, type 26. Identifiers: MedGen C5774221, MONDO:0031061, OMIM 620049.

Submission:

3billion
Classification: Likely pathogenic for Nephrotic syndrome, IIa 26. Last evaluated: 2024-06-22. Review status: criteria provided, single submitter. Criteria: ACMG Guidelines, 2015. Collection method: clinical testing. Allele origin: germline. Affected: yes.
Comment: The variant is not observed in the gnomAD v4.0.0 dataset. Predicted Consequence/Location: Stop-gained (nonsense): predicted to result in a loss or disruption of normal protein function through nonsense-mediated decay (NMD) or protein truncation. Multiple pathogenic variants are reported downstream of the variant. Therefore, this variant is classified as Likely pathogenic according to the recommendation of ACMG/AMP guideline.

NM_005560.6(LAMA5):c.5791C>T (p.Arg1931Ter)

Gene: LAMA5 (laminin subunit alpha 5; minus strand). Cytogenetic location: 20q13.33.
Variant type: single nucleotide variant.
Coding change: c.5791C>T on transcript NM_005560.6 (MANE Select); coding-DNA position 5791, C replaced by T.
Protein change: p.Arg1931Ter; replaces arginine 1931 with a stop codon.
Molecular consequence: nonsense.
Genome position (GRCh38, 1-based): chr20:62,323,834, G>A on the plus strand (C>T on the coding strand, the complement: LAMA5 is on the minus strand). VCF-style: chr20-62323834-G-A. GRCh37 (hg19) VCF-style: chr20-60898890-G-A.
Other names: short protein forms R1931*.
Identifiers: ClinVar variation 4292615 (VCV004292615.1).